The following is an entry in ClinVar:

ClinVar aggregate classification (germline): Conflicting classifications of pathogenicity. Review status: criteria provided, conflicting classifications (1 of 4 stars). 3 submissions from 3 submitters: Uncertain significance (1); Likely benign (1). 1 of the submissions does not count toward it. Last evaluated 2025-02-28.

Conditions:
Triosephosphate isomerase deficiency (TPID). Also called: Triose phosphate isomerase deficiency. Identifiers: Orphanet 868, MedGen C1860808, MONDO:0014221, OMIM 615512.
TPI1-related disorder. Also called: TPI1-related condition.

Allele frequency attached by ClinVar (database versions not stated): TOPMed 0.00003; gnomAD exomes 0.00004 and 0.00007; ExAC 0.00005; ESP Exome Variant Server 0.00008; 1000 Genomes Project 30x 0.00016; 1000 Genomes Project 0.00020.
gnomAD v4.1: 111 of 1,614,142 alleles (0.0069%); highest among the groups gnomAD compares: South Asian, 0.016%; no homozygotes.

Submissions (3):

Labcorp Genetics (formerly Invitae), Labcorp
Classification: Likely benign. Last evaluated: 2025-02-28. Review status: criteria provided, single submitter. Criteria: Invitae Variant Classification Sherloc (09022015). Collection method: clinical testing. Allele origin: germline.

Illumina Laboratory Services, Illumina
Classification: Uncertain significance for Triosephosphate isomerase deficiency. Last evaluated: 2018-01-12. Review status: criteria provided, single submitter. Criteria: ICSL Variant Classification Criteria 13 December 2019. Collection method: clinical testing. Allele origin: germline.

PreventionGenetics, part of Exact Sciences
Classification: Likely benign for TPI1-related condition. Last evaluated: 2019-07-17. Review status: no assertion criteria provided. Collection method: clinical testing. Allele origin: germline. Not counted in ClinVar's aggregate classification.
Comment: This variant is classified as likely benign based on ACMG/AMP sequence variant interpretation guidelines (Richards et al. 2015 PMID: 25741868, with internal and published modifications).

NM_000365.6(TPI1):c.261C>T (p.Cys87=)

Gene: TPI1 (triosephosphate isomerase 1; plus strand). Cytogenetic location: 12p13.31.
Variant type: single nucleotide variant.
Coding change: c.261C>T on transcript NM_000365.6 (MANE Select); coding-DNA position 261, C replaced by T.
Protein change: p.Cys87=; no amino-acid change (cysteine 87 retained).
Molecular consequence: synonymous variant.
Genome position (GRCh38, 1-based): chr12:6,869,120, C>T. VCF-style: chr12-6869120-C-T. GRCh37 (hg19) VCF-style: chr12-6978284-C-T.
Other names: c.372C>T, p.Cys124= (NM_001159287.1); c.15C>T, p.Cys5= (NM_001258026.2).
Identifiers: ClinVar variation 310359 (VCV000310359.8), dbSNP rs370863694, ClinGen allele CA6418890.